The following is an entry in ClinVar:

ClinVar aggregate classification (germline): Likely benign (1 of 4 stars; one submission).

gnomAD v4.1: 10,546 of 1,508,086 alleles (0.7%); highest among the groups gnomAD compares: Non-Finnish European, 0.84%; 46 homozygotes.

Submission:

CeGaT Center for Human Genetics Tuebingen
Classification: Likely benign. Last evaluated: 2025-05-01. Review status: criteria provided, single submitter. Criteria: CeGaT Center For Human Genetics Tuebingen Variant Classification Criteria Version 2. Collection method: clinical testing. Allele origin: germline. Affected: yes. Observed: 1 variant allele.
Comment: ATAD2B: BP4, BS2

NM_017552.4(ATAD2B):c.4051G>A (p.Val1351Ile)

Gene: ATAD2B (ATPase family AAA domain containing 2B; minus strand). Cytogenetic location: 2p24.1.
Variant type: single nucleotide variant.
Coding change: c.4051G>A on transcript NM_017552.4 (MANE Select); coding-DNA position 4051, G replaced by A.
Protein change: p.Val1351Ile; replaces valine 1351 with isoleucine.
Molecular consequence: missense variant. On other transcripts: non-coding transcript variant (1).
Genome position (GRCh38, 1-based): chr2:23,757,445, C>T on the plus strand (G>A on the coding strand, the complement: ATAD2B is on the minus strand). VCF-style: chr2-23757445-C-T. GRCh37 (hg19) VCF-style: chr2-23980315-C-T.
Other names: c.4036G>A, p.Val1346Ile (NM_001242338.3); c.4078G>A, p.Val1360Ile (NM_001354107.2); short protein forms V1346I, V1351I, V1360I.
Identifiers: ClinVar variation 3904808 (VCV003904808.10).